The following is an entry in ClinVar:

NM_080826.2(ISM1):c.313C>T (p.Leu105Phe)

Genes: ISM1 (isthmin 1; plus strand), TASP1 (taspase 1; minus strand). Cytogenetic location: 20p12.1.
Variant type: single nucleotide variant.
Coding change: c.313C>T on transcript NM_080826.2 (MANE Select); coding-DNA position 313, C replaced by T.
Protein change: p.Leu105Phe; replaces leucine 105 with phenylalanine.
Molecular consequence: missense variant.
Genome position (GRCh38, 1-based): chr20:13,270,678, C>T. VCF-style: chr20-13270678-C-T. GRCh37 (hg19) VCF-style: chr20-13251325-C-T.
Other names: short protein forms L105F.
Identifiers: ClinVar variation 3034804 (VCV003034804.2), dbSNP rs76665689, ClinGen allele CA9766181.

ClinVar aggregate classification (germline): Likely benign (0 of 4 stars; one submission).

Conditions:
ISM1-related disorder. Also called: ISM1-related condition.

Allele frequency attached by ClinVar (database versions not stated): gnomAD exomes 0.00099; ExAC 0.00193; ESP Exome Variant Server 0.00234; gnomAD 0.00265; TOPMed 0.00374; 1000 Genomes Project 0.00419; 1000 Genomes Project 30x 0.00500.
gnomAD v4.1: 2,036 of 1,613,910 alleles (0.13%); highest among the groups gnomAD compares: Middle Eastern, 0.91%; 11 homozygotes.

Submission:

PreventionGenetics, part of Exact Sciences
Classification: Likely benign for ISM1-related condition. Last evaluated: 2023-04-26. Review status: no assertion criteria provided. Collection method: clinical testing. Allele origin: germline.
Comment: This variant is classified as likely benign based on ACMG/AMP sequence variant interpretation guidelines (Richards et al. 2015 PMID: 25741868, with internal and published modifications).